The following is an entry in ClinVar:

ClinVar aggregate classification (germline): Pathogenic. Review status: criteria provided, multiple submitters, no conflicts (2 of 4 stars). 2 submissions from 2 submitters: Pathogenic (2). Last evaluated 2025-03-22.

Conditions:
Developmental and epileptic encephalopathy, 42 (DEE42A). Also called: DEVELOPMENTAL AND EPILEPTIC ENCEPHALOPATHY 42A; EPILEPTIC ENCEPHALOPATHY, EARLY INFANTILE, 42A; Epileptic encephalopathy, early infantile, 42. Identifiers: MedGen C4310716, MONDO:0014917, OMIM 617106.
Episodic ataxia type 2 (EA2). Also called: EPISODIC ATAXIA, NYSTAGMUS-ASSOCIATED; ACETAZOLAMIDE-RESPONSIVE HEREDITARY PAROXYSMAL CEREBELLAR ATAXIA; ATAXIA, EPISODIC, WITH NYSTAGMUS; ATAXIA, FAMILIAL PAROXYSMAL; CEREBELLAR ATAXIA, PAROXYSMAL, ACETAZOLAMIDE-RESPONSIVE; CEREBELLOPATHY, HEREDITARY PAROXYSMAL. Identifiers: Orphanet 97, MedGen C1720416, MONDO:0007163, OMIM 108500.
Inborn genetic diseases. Identifiers: MedGen C0950123, MeSH D030342.

Submissions (2):

Labcorp Genetics (formerly Invitae), Labcorp
Classification: Pathogenic for Developmental and epileptic encephalopathy, 42; Episodic ataxia type 2. Last evaluated: 2025-03-22. Review status: criteria provided, single submitter. Criteria: Invitae Variant Classification Sherloc (09022015). Collection method: clinical testing. Allele origin: germline.
Comment: This sequence change creates a premature translational stop signal (p.Leu1863Argfs*9) in the CACNA1A gene. It is expected to result in an absent or disrupted protein product. Loss-of-function variants in CACNA1A are known to be pathogenic (PMID: 10371528, 19486177, 25735478, 27250579). This variant is not present in population databases (gnomAD no frequency). This variant has not been reported in the literature in individuals affected with CACNA1A-related conditions. For these reasons, this variant has been classified as Pathogenic.

Ambry Genetics
Classification: Pathogenic for Inborn genetic diseases. Last evaluated: 2024-01-25. Review status: criteria provided, single submitter. Criteria: Ambry Variant Classification Scheme 2023. Collection method: clinical testing. Allele origin: germline.
Comment: The c.5588_5589delTC (p.L1863Rfs*9) alteration, located in exon 37 (coding exon 37) of the CACNA1A gene, consists of a deletion of 2 nucleotides from position 5588 to 5589, causing a translational frameshift with a predicted alternate stop codon after 9 amino acids. This alteration is expected to result in loss of function by premature protein truncation or nonsense-mediated mRNA decay._x000D_ _x000D_ for autosomal dominant episodic ataxia type 2; however, its clinical significance for autosomal dominant CACNA1A-related neurologic disorders is uncertain, and it is unlikely to be causative of autosomal dominant CACNA1A-related spinocerebellar ataxia. Based on data from gnomAD, this allele has an overall frequency of 0.001% (1/151766) total alleles studied. The highest observed frequency was 0.001% (1/67982) of European (non-Finnish) alleles. This alteration was reported in one heterozygous individual in a cohort of patients with epilepsy (Truty, 2019). Based on the available evidence, this alteration is classified as pathogenic.

Literature cited by the submitters: PubMed 10371528 (cited by Labcorp Genetics (formerly Invitae), Labcorp); PubMed 19486177 (cited by Labcorp Genetics (formerly Invitae), Labcorp); PubMed 25735478 (cited by Labcorp Genetics (formerly Invitae), Labcorp); PubMed 27250579 (cited by Labcorp Genetics (formerly Invitae), Labcorp); PubMed 31440721 (cited by Ambry Genetics).

NM_001127221.2(CACNA1A):c.5588_5589del (p.Leu1863fs)

Gene: CACNA1A (calcium voltage-gated channel subunit alpha1 A; minus strand). Cytogenetic location: 19p13.13.
Variant type: Microsatellite.
Coding change: c.5588_5589del on transcript NM_001127221.2 (MANE Plus Clinical); coding-DNA positions 5588 to 5589, 2 bases deleted (TC; older notation c.5588_5589delTC).
Protein change: p.Leu1863fs; shifts the reading frame from leucine 1863.
Molecular consequence: frameshift variant. On other transcripts: intron variant (4).
Genome position (GRCh38, 1-based): chr19:13,228,738-13,228,739, GA deleted on the plus strand (TC on the coding strand, the reverse complement: CACNA1A is on the minus strand); deleting any 2 consecutive bases within chr19:13,228,738-13,228,742 gives the same sequence; the c. name uses the placement nearest the transcript's 3' end. VCF-style (leftmost placement, unchanged base first): chr19-13228737-CGA-C. GRCh37 (hg19) VCF-style: chr19-13339551-CGA-C.
Other names: c.5588_5589delTC (NM_001127221.1); c.5529-1212_5529-1211del (NM_001127222.2); c.5538-1212_5538-1211del (NM_001174080.2); c.5547-1212_5547-1211del (NM_000068.4, NM_023035.3); short protein forms L1863fs.
Identifiers: ClinVar variation 1076899 (VCV001076899.8), dbSNP rs1431092862, ClinGen allele CA783426047.